The following is an entry in ClinVar:

ClinVar aggregate classification (germline): Conflicting classifications of pathogenicity. Review status: criteria provided, conflicting classifications (1 of 4 stars). 5 submissions from 5 submitters: Uncertain significance (3); Likely benign (1). 1 of the submissions does not count toward it. Last evaluated 2025-04-16.

Conditions:
Neuromuscular disease caused by qualitative or quantitative defects of dysferlin. Also called: Qualitative or quantitative defects of dysferlin; Dysferlinopathy. Identifiers: Orphanet 207073, MedGen C2931687, MONDO:0016145.
Autosomal recessive limb-girdle muscular dystrophy type 2B (LGMDR2). Also called: MUSCULAR DYSTROPHY, LIMB-GIRDLE, AUTOSOMAL RECESSIVE 2; MUSCULAR DYSTROPHY, LIMB-GIRDLE, TYPE 3; Limb-girdle muscular dystrophy, type 2B; Limb-Girdle Muscular Dystrophy Type 2B (LGMD2B). Identifiers: Orphanet 268, MedGen C1850889, MONDO:0009676, OMIM 253601.

Allele frequency attached by ClinVar (database versions not stated): gnomAD 0.00001; ExAC 0.00002; TOPMed 0.00002.
gnomAD v4.1: 32 of 1,613,908 alleles (0.002%); highest among the groups gnomAD compares: Non-Finnish European, 0.0023%; no homozygotes.

Submissions (5):

GeneDx
Classification: Uncertain significance. Last evaluated: 2025-04-16. Review status: criteria provided, single submitter. Criteria: GeneDx Variant Classification Process June 2021. Collection method: clinical testing. Allele origin: germline. Affected: yes.
Comment: Not observed at significant frequency in large population cohorts (gnomAD); In silico analysis indicates that this missense variant does not alter protein structure/function; Has not been previously published as pathogenic or benign to our knowledge; This variant is associated with the following publications: (PMID: 24438169)

Labcorp Genetics (formerly Invitae), Labcorp
Classification: Likely benign for Neuromuscular disease caused by qualitative or quantitative defects of dysferlin. Last evaluated: 2024-02-22. Review status: criteria provided, single submitter. Criteria: Invitae Variant Classification Sherloc (09022015). Collection method: clinical testing. Allele origin: germline.

Blueprint Genetics
Classification: Uncertain significance. Last evaluated: 2023-04-12. Review status: criteria provided, single submitter. Criteria: ACMG Guidelines, 2015. Collection method: clinical testing. Allele origin: germline.

Mayo Clinic Laboratories, Mayo Clinic
Classification: Uncertain significance. Last evaluated: 2019-06-03. Review status: criteria provided, single submitter. Criteria: ACMG Guidelines, 2015. Collection method: clinical testing. Allele origin: germline. Observed: 1 variant allele.

Natera, Inc.
Classification: Uncertain significance for Limb-girdle muscular dystrophy type 2B. Last evaluated: 2020-03-17. Review status: no assertion criteria provided. Collection method: clinical testing. Allele origin: germline. Not counted in ClinVar's aggregate classification.

NM_001130987.2(DYSF):c.3805C>T (p.Arg1269Trp)

Gene: DYSF (dysferlin; plus strand). Cytogenetic location: 2p13.2.
Variant type: single nucleotide variant.
Coding change: c.3805C>T on transcript NM_001130987.2 (MANE Select); coding-DNA position 3805, C replaced by T.
Protein change: p.Arg1269Trp; replaces arginine 1269 with tryptophan.
Molecular consequence: missense variant.
Genome position (GRCh38, 1-based): chr2:71,600,750, C>T. VCF-style: chr2-71600750-C-T. GRCh37 (hg19) VCF-style: chr2-71827880-C-T.
Other names: c.3805C>T, p.Arg1269Trp (NM_001130985.2); c.3712C>T, p.Arg1238Trp (NM_001130986.2, NM_001130984.2); c.3751C>T, p.Arg1251Trp (NM_003494.4, NM_001130978.2); c.3754C>T, p.Arg1252Trp (NM_001130455.2, NM_001130983.2); c.3709C>T, p.Arg1237Trp (NM_001130976.2, NM_001130977.2); c.3844C>T, p.Arg1282Trp (NM_001130979.2); c.3802C>T, p.Arg1268Trp (NM_001130980.2, NM_001130981.2); c.3847C>T, p.Arg1283Trp (NM_001130982.2); short protein forms R1251W, R1252W, R1268W, R1283W, R1237W, R1238W, R1269W, R1282W.
Identifiers: ClinVar variation 642711 (VCV000642711.14), dbSNP rs753817458, ClinGen allele CA1706711.